The following is an entry in ClinVar:

NM_001101362.3(KBTBD13):c.223del (p.Glu75fs)

Gene: KBTBD13 (kelch repeat and BTB domain containing 13; plus strand). Cytogenetic location: 15q22.31.
Variant type: Deletion.
Coding change: c.223del on transcript NM_001101362.3 (MANE Select); coding-DNA position 223, one base deleted (G; older notation c.223delG).
Protein change: p.Glu75fs; shifts the reading frame from glutamic acid 75.
Molecular consequence: frameshift variant.
Genome position (GRCh38, 1-based): chr15:65,077,038, G deleted; the last of 2 consecutive G bases (chr15:65,077,037-65,077,038); deleting either gives the same sequence. VCF-style (leftmost placement, unchanged base first): chr15-65077036-CG-C. GRCh37 (hg19) VCF-style: chr15-65369374-CG-C.
Other names: short protein forms E75fs.
Identifiers: ClinVar variation 3722851 (VCV003722851.2).

ClinVar aggregate classification (germline): Uncertain significance (1 of 4 stars; one submission).

Conditions:
Nemaline myopathy 6 (NEM6). Also called: Nemaline myopathy 6, autosomal dominant. Identifiers: Orphanet 171439, MedGen C1836472, MONDO:0012237, OMIM 609273.

Submission:

Labcorp Genetics (formerly Invitae), Labcorp
Classification: Uncertain significance for Nemaline myopathy 6. Last evaluated: 2024-10-13. Review status: criteria provided, single submitter. Criteria: Invitae Variant Classification Sherloc (09022015). Collection method: clinical testing. Allele origin: germline.
Comment: This sequence change creates a premature translational stop signal (p.Glu75Argfs*86) in the KBTBD13 gene. While this is not anticipated to result in nonsense mediated decay, it is expected to disrupt the last 384 amino acid(s) of the KBTBD13 protein. This variant is not present in population databases (gnomAD no frequency). This variant has not been reported in the literature in individuals affected with KBTBD13-related conditions. Experimental studies and prediction algorithms are not available or were not evaluated, and the functional significance of this variant is currently unknown. In summary, the available evidence is currently insufficient to determine the role of this variant in disease. Therefore, it has been classified as a Variant of Uncertain Significance.